The following is an entry in ClinVar:

NM_020987.5(ANK3):c.6320C>T (p.Thr2107Ile)

Gene: ANK3 (ankyrin 3; minus strand). Cytogenetic location: 10q21.2.
Variant type: single nucleotide variant.
Coding change: c.6320C>T on transcript NM_020987.5 (MANE Select); coding-DNA position 6320, C replaced by T.
Protein change: p.Thr2107Ile; replaces threonine 2107 with isoleucine.
Molecular consequence: missense variant. On other transcripts: intron variant (4).
Genome position (GRCh38, 1-based): chr10:60,074,561, G>A on the plus strand (C>T on the coding strand, the complement: ANK3 is on the minus strand). VCF-style: chr10-60074561-G-A. GRCh37 (hg19) VCF-style: chr10-61834319-G-A.
Other names: c.4387+5976C>T (NM_001204403.2); c.4408+5976C>T (NM_001204404.2); c.4405+5976C>T (NM_001320874.2); c.1807+5976C>T (NM_001149.4); c.6320C>T (NM_020987.3); short protein forms T2107I.
Identifiers: ClinVar variation 2006228 (VCV002006228.5), dbSNP rs749819494, ClinGen allele CA377013600.

ClinVar aggregate classification (germline): Uncertain significance. Review status: criteria provided, multiple submitters, no conflicts (2 of 4 stars). 2 submissions from 2 submitters: Uncertain significance (2). Last evaluated 2026-02-15.

Submissions (2):

GeneDx
Classification: Uncertain significance. Last evaluated: 2026-02-15. Review status: criteria provided, single submitter. Criteria: GeneDx Variant Classification Process June 2021. Collection method: clinical testing. Allele origin: germline.
Comment: Not observed at significant frequency in large population cohorts (gnomAD); In silico analysis suggests that this missense variant does not alter protein structure/function; Has not been previously published as pathogenic or benign to our knowledge

Labcorp Genetics (formerly Invitae), Labcorp
Classification: Uncertain significance. Last evaluated: 2022-09-21. Review status: criteria provided, single submitter. Criteria: Invitae Variant Classification Sherloc (09022015). Collection method: clinical testing. Allele origin: germline.
Comment: This variant is not present in population databases (gnomAD no frequency). In summary, the available evidence is currently insufficient to determine the role of this variant in disease. Therefore, it has been classified as a Variant of Uncertain Significance. Advanced modeling of protein sequence and biophysical properties (such as structural, functional, and spatial information, amino acid conservation, physicochemical variation, residue mobility, and thermodynamic stability) performed at Invitae indicates that this missense variant is not expected to disrupt ANK3 protein function. This variant has not been reported in the literature in individuals affected with ANK3-related conditions. This sequence change replaces threonine, which is neutral and polar, with isoleucine, which is neutral and non-polar, at codon 2107 of the ANK3 protein (p.Thr2107Ile).